The following is an entry in ClinVar:

NM_002617.4(PEX10):c.730C>T (p.Arg244Ter)

Gene: PEX10 (peroxisomal biogenesis factor 10; minus strand). Cytogenetic location: 1p36.32.
Variant type: single nucleotide variant.
Coding change: c.730C>T on transcript NM_002617.4 (MANE Select); coding-DNA position 730, C replaced by T.
Protein change: p.Arg244Ter; replaces arginine 244 with a stop codon.
Molecular consequence: nonsense. On other transcripts: non-coding transcript variant (1).
Genome position (GRCh38, 1-based): chr1:2,406,766, G>A on the plus strand (C>T on the coding strand, the complement: PEX10 is on the minus strand). VCF-style: chr1-2406766-G-A. GRCh37 (hg19) VCF-style: chr1-2338205-G-A.
Other names: p.Arg264*; c.787C>T, p.Arg263Ter (NM_001374425.1); c.355C>T, p.Arg119Ter (NM_001374426.1); c.298C>T, p.Arg100Ter (NM_001374427.1); c.790C>T, p.Arg264Ter (NM_153818.2); short protein forms R264*, R244*, R100*, R119*, R263*.
Identifiers: ClinVar variation 162435 (VCV000162435.15), dbSNP rs61752092, ClinGen allele CA175042.
Genomic context (GRCh38, chr1:2,406,766, plus strand): 5'-GCCCCCGCACGCACCTGCGGTGAGACAGGCCGCGGTGCAGCCTCCACTCCTTCCTGGCTC[G>A]CTGCCGCTGCCTGAAACCGTACAGCTGCAGCCCCATGGACAGCACCAGGTGCAGCAGTGA-3'

ClinVar aggregate classification (germline): Pathogenic. Review status: criteria provided, multiple submitters, no conflicts (2 of 4 stars). 9 submissions from 8 submitters: Pathogenic (6). 3 of the submissions do not count toward it. Last evaluated 2025-11-28.

Conditions:
Zellweger spectrum disorders (ZS). Also called: Zellweger Spectrum Disorder (ZSD); Zellweger syndrome; Zellweger Spectrum Disorder; Zellweger Spectrum. Identifiers: Orphanet 912, MedGen C0043459, MONDO:0019609.
Peroxisome biogenesis disorder 6A (Zellweger). Also called: Peroxisome biogenesis disorder 6A. Identifiers: Orphanet 912, MedGen C3553947, MONDO:0013936, OMIM 614870.
Peroxisome biogenesis disorder 6B (PBD6B). Identifiers: Orphanet 44, MedGen C3553948, MONDO:0013937, OMIM 614871.
Peroxisome biogenesis disorder, complementation group 7 (CG7). Also called: Peroxisome biogenesis disorder, complementation group B. Identifiers: MedGen C1864399.
Peroxisome biogenesis disorder. Identifiers: Orphanet 79189, MedGen C1832200, MONDO:0019234. Disease mechanism: loss of function.

Allele frequency attached by ClinVar (database versions not stated): gnomAD exomes 0.00003 and 0.00001.
gnomAD v4.1: 9 of 1,608,984 alleles (0.00056%); highest among the groups gnomAD compares: Admixed American, 0.0067%; no homozygotes.

Submissions (9):

Natera, Inc.
Classification: Pathogenic for Zellweger syndrome. Last evaluated: 2025-11-28. Review status: criteria provided, single submitter. Criteria: Natera Variant Classification Schema (03/2026). Collection method: clinical testing. Allele origin: germline.
Comment: The c.790C>T variant in PEX10 is a nonsense variant predicted to introduce a stop codon at amino acid 264. This variant is expected to result in nonsense mediated decay, truncation, or a dysfunctional protein product. This variant is rare in the general population with a frequency below the threshold expected for the associated phenotype(s). This variant has been observed in one or more individuals affected with the associated recessive disease, as either homozygous or compound heterozygous with a second variant (PMID: 20695019). Given the available evidence, this variant is classified as Pathogenic.

Genetic Services Laboratory, University of Chicago
Classification: Pathogenic. Last evaluated: 2025-06-02. Review status: criteria provided, single submitter. Criteria: ACMG Guidelines, 2015. Collection method: clinical testing. Allele origin: germline.
Comment: The c.790C>T variant: Results in the creation of a premature stop codon at amino acid position 264, p.Arg264* Is predicted to result in an abnormal transcript, which may be degraded, or may lead to the production of a truncated PEX10 protein with potentially abnormal function. Loss of function variants in the PEX10 gene are a known mechanism for disease in PEX10-related disorders (PMID: 9683594, 10862081, 21031596). Is reported in the gnomAD v4 database with a frequency of 0.006% in the Latino subpopulation (dbSNP rs61752092). Has been previously described in individuals with PEX10-related disorders (PMID: 15542397, 33426522, 25525159) and has been confirmed to be in-trans with another pathogenic variant in PEX10 in one of these individuals (PMID: 17041890). ClinVar contains an entry for this variant (Variation ID: 162435). Collectively, this evidence indicates this variant is pathogenic.

Mayo Clinic Laboratories, Mayo Clinic
Classification: Pathogenic. Last evaluated: 2025-05-16. Review status: criteria provided, single submitter. Criteria: ACMG Guidelines, 2015. Collection method: clinical testing. Allele origin: germline. Observed: 1 variant allele.
Comment: PM2_supporting, PM3, PVS1

Labcorp Genetics (formerly Invitae), Labcorp
Classification: Pathogenic for Peroxisome biogenesis disorder, complementation group 7. Last evaluated: 2025-04-23. Review status: criteria provided, single submitter. Criteria: Invitae Variant Classification Sherloc (09022015). Collection method: clinical testing. Allele origin: germline.
Comment: This sequence change creates a premature translational stop signal (p.Arg264*) in the PEX10 gene. It is expected to result in an absent or disrupted protein product. Loss-of-function variants in PEX10 are known to be pathogenic (PMID: 9683594, 10862081, 21031596). The frequency data for this variant in the population databases is considered unreliable, as metrics indicate poor data quality at this position in the gnomAD database. This premature translational stop signal has been observed in individual(s) with peroxisomal biogenesis disorders (PMID: 15542397, 17041890, 19105186, 20695019, 27230853). This variant is also known as p.Arg244*. ClinVar contains an entry for this variant (Variation ID: 162435). For these reasons, this variant has been classified as Pathogenic.

Baylor Genetics
Classification: Pathogenic for Peroxisome biogenesis disorder 6A (Zellweger). Last evaluated: 2023-08-18. Review status: criteria provided, single submitter. Criteria: ACMG Guidelines, 2015. Collection method: clinical testing. Allele origin: unknown.

Women's Health and Genetics/Laboratory Corporation of America, LabCorp
Classification: Pathogenic for Peroxisome biogenesis disorder. Last evaluated: 2022-02-09. Review status: criteria provided, single submitter. Criteria: LabCorp Variant Classification Summary - May 2015. Collection method: clinical testing. Allele origin: germline.
Comment: Variant summary: PEX10 c.790C>T (p.Arg264X) results in a premature termination codon, predicted to cause a truncation of the encoded protein or absence of the protein due to nonsense mediated decay, which are commonly known mechanisms for disease. Truncations downstream of this position have been classified as pathogenic by our laboratory. The variant allele was found at a frequency of 2.5e-05 in 237538 control chromosomes (gnomAD). c.790C>T has been reported in the literature in individuals affected with Zellweger Syndrome, including one homozygote (Steinberg_2004, Krause_2006), and peroxisomal biogenesis disorder (Regal_2010). These data indicate that the variant is likely to be associated with disease. One publication reports that the variant may induce nonsense mediated decay as cDNA could not be recovered from homozygotic fibroblasts and only the second variant allele could be recovered from compound heterozygotic cells (Krause_2006). Three ClinVar submitters have assessed the variant since 2014: all classified the variant as pathogenic. Based on the evidence outlined above, the variant was classified as pathogenic.

OMIM
Classification: Pathogenic for PEROXISOME BIOGENESIS DISORDER 6A (ZELLWEGER). Last evaluated: 2018-08-13. Review status: no assertion criteria provided. Collection method: literature only. Allele origin: germline. Not counted in ClinVar's aggregate classification.

Counsyl
Classification: Pathogenic for Peroxisome biogenesis disorder 6A (Zellweger); Peroxisome biogenesis disorder 6B. Last evaluated: 2017-05-04. Review status: no assertion criteria provided. Collection method: clinical testing. Allele origin: unknown. Not counted in ClinVar's aggregate classification.

OMIM
Classification: Pathogenic for PEROXISOME BIOGENESIS DISORDER 6B. Last evaluated: 2010-08-01. Review status: no assertion criteria provided. Collection method: literature only. Allele origin: germline. Not counted in ClinVar's aggregate classification.

Literature cited by the submitters: PubMed 20695019 (cited by 5 submitters); PubMed 15542397 (cited by 4 submitters); PubMed 17041890 (cited by 5 submitters); PubMed 19105186 (cited by Mayo Clinic Laboratories, Mayo Clinic and Labcorp Genetics (formerly Invitae), Labcorp); PubMed 21031596 (cited by Mayo Clinic Laboratories, Mayo Clinic and Labcorp Genetics (formerly Invitae), Labcorp); PubMed 27230853 (cited by Mayo Clinic Laboratories, Mayo Clinic and Labcorp Genetics (formerly Invitae), Labcorp); PubMed 40267090 (cited by Mayo Clinic Laboratories, Mayo Clinic); PubMed 9683594 (cited by Labcorp Genetics (formerly Invitae), Labcorp); PubMed 10862081 (cited by Labcorp Genetics (formerly Invitae), Labcorp).